The following is an entry in ClinVar:

NM_003742.4(ABCB11):c.262_263del (p.Asp88fs)

Gene: ABCB11 (ATP binding cassette subfamily B member 11; minus strand). Cytogenetic location: 2q31.1.
Variant type: Deletion.
Coding change: c.262_263del on transcript NM_003742.4 (MANE Select); coding-DNA positions 262 to 263, 2 bases deleted (GA; older notation c.262_263delGA).
Protein change: p.Asp88fs; shifts the reading frame from aspartic acid 88.
Molecular consequence: frameshift variant.
Genome position (GRCh38, 1-based): chr2:169,013,398-169,013,399, TC deleted on the plus strand (GA on the coding strand, the reverse complement: ABCB11 is on the minus strand); deleting any 2 consecutive bases within chr2:169,013,398-169,013,400 gives the same sequence; the c. name uses the placement nearest the transcript's 3' end. VCF-style (leftmost placement, unchanged base first): chr2-169013397-ATC-A. GRCh37 (hg19) VCF-style: chr2-169869907-ATC-A.
Other names: short protein forms D88fs.
Identifiers: ClinVar variation 1438222 (VCV001438222.6), dbSNP rs2106047848, ClinGen allele CA2573133571.
Genomic context (GRCh38, chr2:169,013,397, plus strand): 5'-CACACATGCTTTTCCTGGAATCTGGAGTTCTTGTAACTCAACGTCGTAGTCAATAAAAAC[ATC>A]TGTCATTGTGCCAAAAATGAGTAGCACGCCTGGCTGGGCTATTCCATGGAGAAATGCACA-3'

ClinVar aggregate classification (germline): Pathogenic (1 of 4 stars; one submission).

Submission:

Labcorp Genetics (formerly Invitae), Labcorp
Classification: Pathogenic. Last evaluated: 2021-05-18. Review status: criteria provided, single submitter. Criteria: Invitae Variant Classification Sherloc (09022015). Collection method: clinical testing. Allele origin: germline.
Comment: This sequence change creates a premature translational stop signal (p.Asp88Cysfs*4) in the ABCB11 gene. It is expected to result in an absent or disrupted protein product. Loss-of-function variants in ABCB11 are known to be pathogenic (PMID: 18395098, 20232290). This variant is not present in population databases (ExAC no frequency). This variant has not been reported in the literature in individuals with ABCB11-related conditions. For these reasons, this variant has been classified as Pathogenic.

Literature cited by the submitters: PubMed 18395098; PubMed 20232290.